The following is an entry in ClinVar:

NM_000138.5(FBN1):c.5279A>G (p.Tyr1760Cys)

Gene: FBN1 (fibrillin 1; minus strand). Cytogenetic location: 15q21.1.
Variant type: single nucleotide variant.
Coding change: c.5279A>G on transcript NM_000138.5 (MANE Select); coding-DNA position 5279, A replaced by G.
Protein change: p.Tyr1760Cys; replaces tyrosine 1760 with cysteine.
Molecular consequence: missense variant.
Genome position (GRCh38, 1-based): chr15:48,460,263, T>C on the plus strand (A>G on the coding strand, the complement: FBN1 is on the minus strand). VCF-style: chr15-48460263-T-C. GRCh37 (hg19) VCF-style: chr15-48752460-T-C.
Other names: short protein forms Y1760C.
Identifiers: ClinVar variation 647128 (VCV000647128.9), dbSNP rs1597543452, ClinGen allele CA392347983.

ClinVar aggregate classification (germline): Uncertain significance. Review status: criteria provided, multiple submitters, no conflicts (2 of 4 stars). 2 submissions from 2 submitters: Uncertain significance (2). Last evaluated 2023-09-05.

Conditions:
Familial thoracic aortic aneurysm and aortic dissection (TAAD). Also called: Thoracic aortic aneurysms and dissections. Identifiers: Orphanet 91387, MedGen C4707243, MONDO:0019625.
Marfan syndrome (MFS). Also called: FBN1-Related Marfan Syndrome; Marfan syndrome type 1; Marfan's syndrome; Marfan syndrome, classic; MARFAN SYNDROME, TYPE I. Identifiers: Orphanet 284963, Orphanet 558, MedGen C0024796, MONDO:0007947, OMIM 154700.

Submissions (2):

Labcorp Genetics (formerly Invitae), Labcorp
Classification: Uncertain significance for Marfan syndrome; Familial thoracic aortic aneurysm and aortic dissection. Last evaluated: 2023-09-05. Review status: criteria provided, single submitter. Criteria: Invitae Variant Classification Sherloc (09022015). Collection method: clinical testing. Allele origin: germline.
Comment: In summary, the available evidence is currently insufficient to determine the role of this variant in disease. Therefore, it has been classified as a Variant of Uncertain Significance. Advanced modeling of protein sequence and biophysical properties (such as structural, functional, and spatial information, amino acid conservation, physicochemical variation, residue mobility, and thermodynamic stability) has been performed at Invitae for this missense variant, however the output from this modeling did not meet the statistical confidence thresholds required to predict the impact of this variant on FBN1 protein function. ClinVar contains an entry for this variant (Variation ID: 647128). This variant has not been reported in the literature in individuals affected with FBN1-related conditions. This variant is not present in population databases (gnomAD no frequency). This sequence change replaces tyrosine, which is neutral and polar, with cysteine, which is neutral and slightly polar, at codon 1760 of the FBN1 protein (p.Tyr1760Cys).

Women's Health and Genetics/Laboratory Corporation of America, LabCorp
Classification: Uncertain significance. Last evaluated: 2019-01-21. Review status: criteria provided, single submitter. Criteria: LabCorp Variant Classification Summary - May 2015. Collection method: clinical testing. Allele origin: germline.
Comment: Variant summary: The variant, FBN1 c.5279A>G (p.Tyr1760Cys) results in a non-conservative amino acid change in the encoded protein sequence. Three of five in-silico tools predict a damaging effect of the variant on protein function although these predictions have yet to be functionally assessed. The variant was absent in 245332 control chromosomes (gnomAD). The available data on variant occurrences in the general population are insufficient to allow any conclusion about variant significance. To our knowledge, no occurrence of c.5279A>G in individuals affected with Aortopathy and no experimental evidence demonstrating its impact on protein function have been reported. No clinical diagnostic laboratories have submitted clinical-significance assessments for this variant to ClinVar after 2014. However, the FBN1 protein is composed of disulphide bonds and it has been well established that the sulfhydryl group of cysteine is unique in its ability to participate in disulfide covalent cross-linkage. In fact, two thirds of fibrillin cysteine residues exist in the half-cystinyl form, suggesting their participation in intramolecular disulfide linkage. Therefore, the creation of a new cysteine site could lead to disruption of disulfide binding, effecting secondary or tertiary structure or possibly impairing fibrillin interactions. Thus, the variant of interest is classified as VUS-possibly pathogenic until additional information becomes available.

Literature cited by the submitters: PubMed 15980072 (cited by Women's Health and Genetics/Laboratory Corporation of America, LabCorp).